The following is an entry in ClinVar:

ClinVar aggregate classification (germline): Conflicting classifications of pathogenicity. Review status: criteria provided, conflicting classifications (1 of 4 stars). 3 submissions from 3 submitters: Uncertain significance (1); Likely benign (1). 1 of the submissions does not count toward it. Last evaluated 2024-12-09.

Conditions:
KMT2D-related disorder. Also called: KMT2D-Related Disorders.
Kabuki syndrome. Also called: NIIKAWA-KUROKI SYNDROME; Kabuki make-up syndrome. Identifiers: Orphanet 2322, MedGen C0796004, MONDO:0016512.

Allele frequency attached by ClinVar (database versions not stated): gnomAD exomes below 0.00001; TOPMed below 0.00001; gnomAD 0.00001; 1000 Genomes Project 30x 0.00031.
gnomAD v4.1: 7 of 1,606,002 alleles (0.00044%); highest among the groups gnomAD compares: East Asian, 0.0022%; no homozygotes.

Submissions (3):

Labcorp Genetics (formerly Invitae), Labcorp
Classification: Likely benign for Kabuki syndrome. Last evaluated: 2024-12-09. Review status: criteria provided, single submitter. Criteria: Invitae Variant Classification Sherloc (09022015). Collection method: clinical testing. Allele origin: germline.

Eurofins Ntd Llc (ga)
Classification: Uncertain significance. Last evaluated: 2014-03-05. Review status: criteria provided, single submitter. Criteria: EGL Classification Definitions 2015. Collection method: clinical testing. Allele origin: germline. Observed: 1 variant allele, 1 heterozygote.

PreventionGenetics, part of Exact Sciences
Classification: Likely benign for KMT2D-related condition. Last evaluated: 2022-04-04. Review status: no assertion criteria provided. Collection method: clinical testing. Allele origin: germline. Not counted in ClinVar's aggregate classification.
Comment: This variant is classified as likely benign based on ACMG/AMP sequence variant interpretation guidelines (Richards et al. 2015 PMID: 25741868, with internal and published modifications).

NM_003482.4(KMT2D):c.13797G>A (p.Ala4599=)

Gene: KMT2D (lysine methyltransferase 2D; minus strand). Cytogenetic location: 12q13.12.
Variant type: single nucleotide variant.
Coding change: c.13797G>A on transcript NM_003482.4 (MANE Select); coding-DNA position 13797, G replaced by A.
Protein change: p.Ala4599=; no amino-acid change (alanine 4599 retained).
Molecular consequence: synonymous variant.
Genome position (GRCh38, 1-based): chr12:49,030,643, C>T on the plus strand (G>A on the coding strand, the complement: KMT2D is on the minus strand). VCF-style: chr12-49030643-C-T. GRCh37 (hg19) VCF-style: chr12-49424426-C-T.
Other names: c.13797G>A (NM_003482.3).
Identifiers: ClinVar variation 167219 (VCV000167219.10), dbSNP rs727503980, ClinGen allele CA234166.